The following is an entry in ClinVar:

NM_001370466.1(NOD2):c.1344G>C (p.Glu448Asp)

Gene: NOD2 (nucleotide binding oligomerization domain containing 2; plus strand). Cytogenetic location: 16q12.1.
Variant type: single nucleotide variant.
Coding change: c.1344G>C on transcript NM_001370466.1 (MANE Select); coding-DNA position 1344, G replaced by C.
Protein change: p.Glu448Asp; replaces glutamic acid 448 with aspartic acid.
Molecular consequence: missense variant. On other transcripts: non-coding transcript variant (1).
Genome position (GRCh38, 1-based): chr16:50,711,336, G>C. VCF-style: chr16-50711336-G-C. GRCh37 (hg19) VCF-style: chr16-50745247-G-C.
Other names: c.1344G>C, p.Glu448Asp (NM_001293557.2); c.1425G>C, p.Glu475Asp (NM_022162.3); short protein forms E448D, E475D.
Identifiers: ClinVar variation 1064362 (VCV001064362.9), dbSNP rs1964484718, ClinGen allele CA395868896.

ClinVar aggregate classification (germline): Uncertain significance (1 of 4 stars; one submission).

Conditions:
Blau syndrome (BLAUS). Also called: ARTHROCUTANEOUVEAL GRANULOMATOSIS; GRANULOMATOSIS, FAMILIAL JUVENILE SYSTEMIC; GRANULOMATOSIS, FAMILIAL, BLAU TYPE; GRANULOMATOUS INFLAMMATORY ARTHRITIS, DERMATITIS, AND UVEITIS, FAMILIAL; JABS SYNDROME. Identifiers: Orphanet 90340, MedGen C5201146, MONDO:0008523, OMIM 186580.
Regional enteritis. Also called: Enteritis, Granulomatous. Identifiers: MedGen C0678202, MeSH D003424.

gnomAD v4.1: 2 of 1,613,674 alleles (0.00012%); highest among the groups gnomAD compares: Non-Finnish European, 0.000085%; no homozygotes.

Submission:

Labcorp Genetics (formerly Invitae), Labcorp
Classification: Uncertain significance for Regional enteritis; Blau syndrome. Last evaluated: 2020-10-12. Review status: criteria provided, single submitter. Criteria: Invitae Variant Classification Sherloc (09022015). Collection method: clinical testing. Allele origin: germline.
Comment: In summary, the available evidence is currently insufficient to determine the role of this variant in disease. Therefore, it has been classified as a Variant of Uncertain Significance. Algorithms developed to predict the effect of missense changes on protein structure and function (SIFT, PolyPhen-2, Align-GVGD) all suggest that this variant is likely to be tolerated, but these predictions have not been confirmed by published functional studies and their clinical significance is uncertain. This variant has not been reported in the literature in individuals with NOD2-related conditions. This variant is not present in population databases (ExAC no frequency). This sequence change replaces glutamic acid with aspartic acid at codon 475 of the NOD2 protein (p.Glu475Asp). The glutamic acid residue is weakly conserved and there is a small physicochemical difference between glutamic acid and aspartic acid.